The following is an entry in ClinVar:

NM_000371.4(TTR):c.431A>G (p.Asn144Ser)

Gene: TTR (transthyretin; plus strand). Cytogenetic location: 18q12.1.
Variant type: single nucleotide variant.
Coding change: c.431A>G on transcript NM_000371.4 (MANE Select); coding-DNA position 431, A replaced by G.
Protein change: p.Asn144Ser; replaces asparagine 144 with serine.
Molecular consequence: missense variant.
Genome position (GRCh38, 1-based): chr18:31,598,662, A>G. VCF-style: chr18-31598662-A-G. GRCh37 (hg19) VCF-style: chr18-29178625-A-G.
Other names: short protein forms N144S.
Identifiers: ClinVar variation 1009600 (VCV001009600.12), dbSNP rs144965179, ClinGen allele CA8928514.

ClinVar aggregate classification (germline): Uncertain significance. Review status: criteria provided, multiple submitters, no conflicts (2 of 4 stars). 3 submissions from 3 submitters: Uncertain significance (3). Last evaluated 2022-10-22.

Conditions:
Cardiovascular phenotype. Identifiers: MedGen CN230736.
Cardiomyopathy (CMYO). Also called: Cardiomyopathies. Identifiers: Orphanet 167848, MedGen C0878544, MONDO:0004994, HP:0001638. Inheritance: Various modes of inheritance.
Amyloidosis, hereditary systemic 1 (AMYLD1). Also called: Transthyretin Amyloidosis; AMYLOID CARDIOMYOPATHY; Isolated Cardiac Amyloidosis; Amyloid Cardiomyopathy, Transthyretin-related; Familial amyloid polyneuropathy; Hereditary oculoleptomeningeal amyloid angiopathy. Identifiers: Orphanet 85447, Orphanet 85451, MedGen C2751492, MONDO:0971004, OMIM 105210.

Allele frequency attached by ClinVar (database versions not stated): gnomAD exomes below 0.00001 and 0.00001; TOPMed 0.00001; ExAC 0.00002; gnomAD 0.00003; ESP Exome Variant Server 0.00015.

Submissions (3):

Labcorp Genetics (formerly Invitae), Labcorp
Classification: Uncertain significance for Amyloidosis, hereditary systemic 1. Last evaluated: 2022-10-22. Review status: criteria provided, single submitter. Criteria: Invitae Variant Classification Sherloc (09022015). Collection method: clinical testing. Allele origin: germline.
Comment: ClinVar contains an entry for this variant (Variation ID: 1009600). In summary, the available evidence is currently insufficient to determine the role of this variant in disease. Therefore, it has been classified as a Variant of Uncertain Significance. Algorithms developed to predict the effect of missense changes on protein structure and function output the following: SIFT: "Not Available"; PolyPhen-2: "Benign"; Align-GVGD: "Not Available". The serine amino acid residue is found in multiple mammalian species, which suggests that this missense change does not adversely affect protein function. This variant is also known as Asn124Ser. This missense change has been observed in individual(s) with TTR-related conditions (PMID: 17577687). This variant is present in population databases (rs144965179, gnomAD 0.01%). This sequence change replaces asparagine, which is neutral and polar, with serine, which is neutral and polar, at codon 144 of the TTR protein (p.Asn144Ser).

Ambry Genetics
Classification: Uncertain significance for Cardiovascular phenotype. Last evaluated: 2020-08-14. Review status: criteria provided, single submitter. Criteria: Ambry Variant Classification Scheme 2023. Collection method: clinical testing. Allele origin: germline.
Comment: The p.N144S variant (also known as c.431A>G), located in coding exon 4 of the TTR gene, results from an A to G substitution at nucleotide position 431. The asparagine at codon 144 is replaced by serine, an amino acid with highly similar properties. This alteration has been reported in one affected individual with a phenotype that includes slowly progressive renal failure and positive immunohistochemical staining of a kidney biopsy with anti-TTR antibodies (Bergstr&ouml;m J et al. Amyloid, 2007 Jun;14:141-5). This amino acid position is poorly conserved in available vertebrate species. In addition, the in silico prediction for this alteration is inconclusive. Since supporting evidence is limited at this time, the clinical significance of this alteration remains unclear.

CHEO Genetics Diagnostic Laboratory, Children's Hospital of Eastern Ontario
Classification: Uncertain significance for Cardiomyopathy. Last evaluated: 2019-07-11. Review status: criteria provided, single submitter. Criteria: ACMG Guidelines, 2015. Collection method: clinical testing. Allele origin: germline.

Literature cited by the submitters: PubMed 17577687 (cited by Labcorp Genetics (formerly Invitae), Labcorp and Ambry Genetics).